The following is an entry in ClinVar:

NM_007294.4(BRCA1):c.1405del (p.Ala469fs)

Gene: BRCA1 (BRCA1 DNA repair associated; minus strand). Cytogenetic location: 17q21.31.
Variant type: Deletion.
Coding change: c.1405del on transcript NM_007294.4 (MANE Select); coding-DNA position 1405, one base deleted (G; older notation c.1405delG).
Protein change: p.Ala469fs; shifts the reading frame from alanine 469.
Molecular consequence: frameshift variant. On other transcripts: intron variant (137).
Genome position (GRCh38, 1-based): chr17:43,094,126, C deleted on the plus strand (G on the coding strand, the reverse complement: BRCA1 is on the minus strand); the first of 2 consecutive C bases (chr17:43,094,126-43,094,127); deleting either gives the same sequence. VCF-style (leftmost placement, unchanged base first): chr17-43094125-GC-G. GRCh37 (hg19) VCF-style: chr17-41246142-GC-G.
Other names: 1523delG; c.1405delG (NM_007294.3); c.1201del, p.Ala401fs (NM_001407875.1, NM_001407874.1); c.1195del, p.Ala399fs (NM_001407879.1, NM_001407881.1, NM_001407882.1 and 13 more transcripts); c.1192del, p.Ala398fs (NM_001407894.1, NM_001407895.1, NM_001407896.1 and 9 more transcripts); c.1282del, p.Ala428fs (NM_001407919.1, NM_001407937.1, NM_001407938.1 and 19 more transcripts); c.1141del, p.Ala381fs (NM_001407920.1, NM_001407921.1, NM_001407922.1 and 9 more transcripts); c.1138del, p.Ala380fs (NM_001407930.1, NM_001407931.1, NM_001407932.1 and 2 more transcripts); and 42 more; short protein forms A422fs, A469fs, A301fs, A381fs, A466fs, A341fs, A398fs, A401fs.
Identifiers: ClinVar variation 54244 (VCV000054244.7), dbSNP rs397508871, ClinGen allele CA000947.

ClinVar aggregate classification (germline): Pathogenic. Review status: reviewed by expert panel (3 of 4 stars). 2 submissions from 2 submitters: Pathogenic (1). 1 of the submissions does not count toward it. Last evaluated 2016-10-18.

Conditions:
Breast-ovarian cancer, familial, susceptibility to, 1 (BROVCA1). Also called: OVARIAN CANCER, SUSCEPTIBILITY TO; BRCA1 Hereditary Breast and Ovarian Cancer. Identifiers: Orphanet 145, MedGen C2676676, MONDO:0011450, OMIM 604370. Disease mechanism: loss of function.

Submissions (2):

Evidence-based Network for the Interpretation of Germline Mutant Alleles (ENIGMA)
Classification: Pathogenic for Breast-ovarian cancer, familial, susceptibility to, 1. Last evaluated: 2016-10-18. Review status: reviewed by expert panel. Criteria: ENIGMA BRCA1/2 Classification Criteria (2015). Collection method: curation. Allele origin: germline.
Comment: Variant allele predicted to encode a truncated non-functional protein.

Consortium of Investigators of Modifiers of BRCA1/2 (CIMBA), c/o University of Cambridge
Classification: Pathogenic for Breast-ovarian cancer, familial, susceptibility to, 1. Last evaluated: 2015-10-02. Review status: criteria provided, single submitter. Criteria: CIMBA Mutation Classification guidelines May 2016. Collection method: clinical testing. Allele origin: germline. Not counted in ClinVar's aggregate classification.